The following is an entry in ClinVar:

ClinVar aggregate classification (germline): Uncertain significance. Review status: criteria provided, multiple submitters, no conflicts (2 of 4 stars). 2 submissions from 2 submitters: Uncertain significance (2). Last evaluated 2025-10-22.

Conditions:
Alagille syndrome due to a JAG1 point mutation. Also called: Alagille Syndrome 1; HEPATIC DUCTULAR HYPOPLASIA, SYNDROMATIC; JAG1-Related Alagille Syndrome. Identifiers: Orphanet 261619, Orphanet 52, MedGen C1956125, MONDO:0016862, OMIM 118450.
Charcot-Marie-Tooth disease, axonal, Type 2HH. Also called: CHARCOT-MARIE-TOOTH NEUROPATHY, TYPE 2HH. Identifiers: MedGen C5562003, MONDO:0030458, OMIM 619574.

Allele frequency attached by ClinVar (database versions not stated): gnomAD exomes below 0.00001.
gnomAD v4.1: 3 of 1,614,214 alleles (0.00019%); highest among the groups gnomAD compares: Non-Finnish European, 0.00025%; no homozygotes.

Submissions (2):

Labcorp Genetics (formerly Invitae), Labcorp
Classification: Uncertain significance for Alagille syndrome due to a JAG1 point mutation. Last evaluated: 2025-10-22. Review status: criteria provided, single submitter. Criteria: Invitae Variant Classification Sherloc (09022015). Collection method: clinical testing. Allele origin: germline.
Comment: This sequence change replaces lysine, which is basic and polar, with arginine, which is basic and polar, at codon 619 of the JAG1 protein (p.Lys619Arg). This variant is not present in population databases (gnomAD no frequency). This variant has not been reported in the literature in individuals affected with JAG1-related conditions. ClinVar contains an entry for this variant (Variation ID: 967549). Invitae Evidence Modeling of protein sequence and biophysical properties (such as structural, functional, and spatial information, amino acid conservation, physicochemical variation, residue mobility, and thermodynamic stability) indicates that this missense variant is not expected to disrupt JAG1 protein function with a negative predictive value of 95%. In summary, the available evidence is currently insufficient to determine the role of this variant in disease. Therefore, it has been classified as a Variant of Uncertain Significance.

Victorian Clinical Genetics Services, Murdoch Childrens Research Institute
Classification: Uncertain significance for Charcot-Marie-Tooth disease, axonal, Type 2HH. Last evaluated: 2023-07-17. Review status: criteria provided, single submitter. Criteria: ACMG Guidelines, 2015. Collection method: clinical testing. Allele origin: germline. Inheritance: Autosomal dominant inheritance. Affected: yes.
Comment: Based on the classification scheme VCGS_Germline_v1.3.4, this variant is classified as VUS-3B. Following criteria are met: 0102 - Loss of function is a known mechanism of disease in this gene and is associated with Alagille syndrome 1 (MIM#118450) and tetralogy of fallot (MIM#187500). The mechanism for Charcot-Marie-Tooth disease, axonal, type 2HH (MIM#619574) is not clearly established; however, loss of function is suggested (PMID: 32065591). (I) 0107 - This gene is associated with autosomal dominant disease. (I) 0200 - Variant is predicted to result in a missense amino acid change from lysine to arginine. (I) 0251 - This variant is heterozygous. (I) 0301 - Variant is absent from gnomAD (both v2 and v3). (SP) 0502 - Missense variant with conflicting in silico predictions and uninformative conservation. (I) 0604 - Variant is not located in an established domain, motif, hotspot or informative constraint region. (I) 0705 - No comparable missense variants have previous evidence for pathogenicity. (I) 0809 - Previous evidence of pathogenicity for this variant is inconclusive. This variant has been reported as a VUS (ClinVar). (I) 0905 - No published segregation evidence has been identified for this variant. (I) 1007 - No published functional evidence has been identified for this variant. (I) 1208 - Inheritance information for this variant is not currently available in this individual. (I) Legend: (SP) - Supporting pathogenic, (I) - Information, (SB) - Supporting benign

Literature cited by the submitters: PubMed 32065591 (cited by Victorian Clinical Genetics Services, Murdoch Childrens Research Institute).

NM_000214.3(JAG1):c.1856A>G (p.Lys619Arg)

Gene: JAG1 (jagged canonical Notch ligand 1; minus strand). Cytogenetic location: 20p12.2.
Variant type: single nucleotide variant.
Coding change: c.1856A>G on transcript NM_000214.3 (MANE Select); coding-DNA position 1856, A replaced by G.
Protein change: p.Lys619Arg; replaces lysine 619 with arginine.
Molecular consequence: missense variant.
Genome position (GRCh38, 1-based): chr20:10,646,968, T>C on the plus strand (A>G on the coding strand, the complement: JAG1 is on the minus strand). VCF-style: chr20-10646968-T-C. GRCh37 (hg19) VCF-style: chr20-10627616-T-C.
Other names: short protein forms K619R.
Identifiers: ClinVar variation 967549 (VCV000967549.11), dbSNP rs1009426924, ClinGen allele CA311346479.